The following is an entry in ClinVar:

ClinVar aggregate classification (germline): Conflicting classifications of pathogenicity. Review status: criteria provided, conflicting classifications (1 of 4 stars). 4 submissions from 3 submitters: Pathogenic (3); Uncertain significance (1). Last evaluated 2026-06-25.

Conditions:
Inborn genetic diseases. Identifiers: MedGen C0950123, MeSH D030342.
Microcephaly 19, primary, autosomal recessive. Identifiers: MedGen C4540488, MONDO:0054716, OMIM 617800.
Osteoporosis, childhood- or juvenile-onset, with developmental delay. Identifiers: MedGen C5676992, MONDO:0859253, OMIM 619884.

Submissions (4):

Victorian Clinical Genetics Services, Murdoch Childrens Research Institute
Classification: Uncertain significance for Osteoporosis, childhood- or juvenile-onset, with developmental delay. Last evaluated: 2026-06-25. Review status: criteria provided, single submitter. Criteria: ACMG Guidelines, 2015. Collection method: clinical testing. Allele origin: germline. Affected: yes.
Comment: This variant is classified as VUS-3A. Evidence in support of pathogenic classification: Variant is predicted to cause nonsense-mediated decay (NMD) and loss of protein (premature termination codon is located at least 54 nucleotides upstream of the final exon-exon junction); This variant has limited previous evidence of pathogenicity in unrelated individuals. It has been classified as likely pathogenic and pathogenic by clinical laboratories in ClinVar and LOVD; however, some of these reports precede gnomAD v4 release; Other NMD-predicted variants comparable to the one identified in this case have strong previous evidence for pathogenicity (ClinVar, PMID: 34450031). Additional information: This variant is heterozygous; This gene is associated with autosomal dominant disease. There have also been limited reports of autosomal recessive inheritance (PMIDs: 29036432, 37734708); Variant is present in gnomAD <0.001 for a dominant condition (v4: 5 heterozygote(s), 0 homozygote(s)); No published evidence of segregation with disease has been identified for this variant; No published functional evidence has been identified for this variant; Loss of function is a known mechanism of disease in this gene and is associated with osteoporosis, childhood- or juvenile-onset, with developmental delay (MIM#619884); Variants in this gene are known to have variable expressivity (PMID: 34450031).

Ambry Genetics
Classification: Pathogenic for Inborn genetic diseases. Last evaluated: 2024-10-25. Review status: criteria provided, single submitter. Criteria: Ambry Variant Classification Scheme 2023. Collection method: clinical testing. Allele origin: germline.
Comment: The c.660_661delAT (p.V222Afs*18) alteration, located in exon 7 (coding exon 7) of the COPB2 gene, consists of a deletion of 2 nucleotides from position 660 to 661, causing a translational frameshift with a predicted alternate stop codon after 18 amino acids. This alteration is expected to result in loss of function by premature protein truncation or nonsense-mediated mRNA decay. Based on data from gnomAD, this allele has an overall frequency of <0.001% (1/250704) total alleles studied. The highest observed frequency was 0.001% (1/113414) of European (non-Finnish) alleles. Based on the available evidence, this alteration is classified as pathogenic.

Institute of Human Genetics, Clinical Exome/Genome Diagnostics Group, University Hospital Bonn
Classification: Pathogenic for Microcephaly 19, primary, autosomal recessive. Last evaluated: 2024-06-12. Review status: criteria provided, single submitter. Criteria: ACMG Guidelines, 2015. Collection method: clinical testing. Allele origin: de novo. Affected: yes.

Institute of Human Genetics, Clinical Exome/Genome Diagnostics Group, University Hospital Bonn
Classification: Pathogenic for Osteoporosis, childhood- or juvenile-onset, with developmental delay. Last evaluated: 2024-06-11. Review status: criteria provided, single submitter. Criteria: ACMG Guidelines, 2015. Collection method: clinical testing. Allele origin: de novo. Affected: yes.

Literature cited by the submitters: PubMed 37734708 (cited by Victorian Clinical Genetics Services, Murdoch Childrens Research Institute); PubMed 34450031 (cited by Victorian Clinical Genetics Services, Murdoch Childrens Research Institute); PubMed 29036432 (cited by Victorian Clinical Genetics Services, Murdoch Childrens Research Institute).

NM_004766.3(COPB2):c.660_661del (p.Val222fs)

Gene: COPB2 (coat protein complex I subunit beta 2; minus strand). Cytogenetic location: 3q23.
Variant type: Deletion.
Coding change: c.660_661del on transcript NM_004766.3 (MANE Select); coding-DNA positions 660 to 661, 2 bases deleted (AT; older notation c.660_661delAT).
Protein change: p.Val222fs; shifts the reading frame from valine 222.
Molecular consequence: frameshift variant. On other transcripts: non-coding transcript variant (1).
Genome position (GRCh38, 1-based): chr3:139,374,579-139,374,580, AT deleted on the plus strand (AT on the coding strand, the reverse complement: COPB2 is on the minus strand). VCF-style (leftmost placement, unchanged base first): chr3-139374578-CAT-C. GRCh37 (hg19) VCF-style: chr3-139093420-CAT-C.
Other names: c.660_661delAT (NM_004766.2); c.573_574del, p.Val193fs (NM_001410834.1); short protein forms V193fs, V222fs.
Identifiers: ClinVar variation 3370487 (VCV003370487.3).